The following is an entry in ClinVar:

ClinVar aggregate classification (germline): Uncertain significance. Review status: criteria provided, multiple submitters, no conflicts (2 of 4 stars). 2 submissions from 2 submitters: Uncertain significance (2). Last evaluated 2025-06-23.

Conditions:
Inborn genetic diseases. Identifiers: MedGen C0950123, MeSH D030342.

Allele frequency attached by ClinVar (database versions not stated): gnomAD exomes below 0.00001; TOPMed below 0.00001; gnomAD 0.00001.
gnomAD v4.1: 5 of 1,614,098 alleles (0.00031%); highest among the groups gnomAD compares: Non-Finnish European, 0.00042%; no homozygotes.

Submissions (2):

GeneDx
Classification: Uncertain significance. Last evaluated: 2025-06-23. Review status: criteria provided, single submitter. Criteria: GeneDx Variant Classification Process June 2021. Collection method: clinical testing. Allele origin: germline. Affected: yes.
Comment: Not observed at significant frequency in large population cohorts (gnomAD); In silico analysis suggests that this missense variant does not alter protein structure/function; Has not been previously published as pathogenic or benign to our knowledge

Ambry Genetics
Classification: Uncertain significance for Inborn genetic diseases. Last evaluated: 2025-01-15. Review status: criteria provided, single submitter. Criteria: Ambry Variant Classification Scheme 2023. Collection method: clinical testing. Allele origin: germline.

NM_173500.4(TTBK2):c.2380A>C (p.Ser794Arg)

Gene: TTBK2 (tau tubulin kinase 2; minus strand). Cytogenetic location: 15q15.2.
Variant type: single nucleotide variant.
Coding change: c.2380A>C on transcript NM_173500.4 (MANE Select); coding-DNA position 2380, A replaced by C.
Protein change: p.Ser794Arg; replaces serine 794 with arginine.
Molecular consequence: missense variant.
Genome position (GRCh38, 1-based): chr15:42,752,866, T>G on the plus strand (A>C on the coding strand, the complement: TTBK2 is on the minus strand). VCF-style: chr15-42752866-T-G. GRCh37 (hg19) VCF-style: chr15-43045064-T-G.
Other names: short protein forms S794R.
Identifiers: ClinVar variation 2581746 (VCV002581746.3), dbSNP rs1314083051, ClinGen allele CA392074294.